The following is an entry in ClinVar:

ClinVar aggregate classification (germline): Uncertain significance (1 of 4 stars; one submission).

Submission:

Labcorp Genetics (formerly Invitae), Labcorp
Classification: Uncertain significance. Last evaluated: 2025-03-31. Review status: criteria provided, single submitter. Criteria: Invitae Variant Classification Sherloc (09022015). Collection method: clinical testing. Allele origin: germline.
Comment: This sequence change creates a premature translational stop signal (p.Cys143*) in the IL12RB2 gene. It is expected to result in an absent or disrupted protein product. However, the current clinical and genetic evidence is not sufficient to establish whether loss-of-function variants in IL12RB2 cause disease. This variant is not present in population databases (gnomAD no frequency). This variant has not been reported in the literature in individuals affected with IL12RB2-related conditions. In summary, the available evidence is currently insufficient to determine the role of this variant in disease. Therefore, it has been classified as a Variant of Uncertain Significance.

NM_001374259.2(IL12RB2):c.429C>A (p.Cys143Ter)

Gene: IL12RB2 (interleukin 12 receptor subunit beta 2; plus strand). Cytogenetic location: 1p31.3.
Variant type: single nucleotide variant.
Coding change: c.429C>A on transcript NM_001374259.2 (MANE Select); coding-DNA position 429, C replaced by A.
Protein change: p.Cys143Ter; replaces cysteine 143 with a stop codon.
Molecular consequence: nonsense. On other transcripts: non-coding transcript variant (2).
Genome position (GRCh38, 1-based): chr1:67,326,799, C>A. VCF-style: chr1-67326799-C-A. GRCh37 (hg19) VCF-style: chr1-67792482-C-A.
Other names: c.429C>A, p.Cys143Ter (NM_001258214.1, NM_001258215.1, NM_001258216.1 and 2 more transcripts); short protein forms C143*.
Identifiers: ClinVar variation 4805853 (VCV004805853.1).
Genomic context (GRCh38, chr1:67,326,799, plus strand): 5'-TCCAGAACAGCCTCAAAATTTATCCTGCATACAGAAGGGAGAACAGGGGACTGTGGCCTG[C>A]ACCTGGGAAAGAGGACGAGACACCCACTTATACACTGAGTATACTCTACAGTGAGTGAGA-3'